The following is an entry in ClinVar:

ClinVar aggregate classification (germline): Uncertain significance (1 of 4 stars; one submission).

Conditions:
Long QT syndrome (LQTS). Identifiers: MedGen C0023976, MeSH D008133, MONDO:0002442. Disease mechanism: loss of function. Inheritance: Various modes of inheritance.

Submission:

Labcorp Genetics (formerly Invitae), Labcorp
Classification: Uncertain significance for Long QT syndrome. Last evaluated: 2024-05-02. Review status: criteria provided, single submitter. Criteria: Invitae Variant Classification Sherloc (09022015). Collection method: clinical testing. Allele origin: germline.
Comment: This variant, c.1073_1078dup, results in the insertion of 2 amino acid(s) of the KCNQ1 protein (p.Lys358_Gln359dup), but otherwise preserves the integrity of the reading frame. This variant is not present in population databases (gnomAD no frequency). This variant has been observed in individual(s) with long QT syndrome (PMID: 26496715; Invitae). This variant is also known as c.1071_1076dupGAAGCA(p.360_361dupKQ). In summary, the available evidence is currently insufficient to determine the role of this variant in disease. Therefore, it has been classified as a Variant of Uncertain Significance.

Literature cited by the submitters: PubMed 26496715.

NM_000218.3(KCNQ1):c.1067AGCAGA[3] (p.Gln359_Arg360insLysGln)

Gene: KCNQ1 (potassium voltage-gated channel subfamily Q member 1; plus strand). Cytogenetic location: 11p15.5.
Variant type: Microsatellite.
Coding change: c.1067AGCAGA[3] on transcript NM_000218.3 (MANE Select); three copies in a row of the 6-base unit AGCAGA starting at c.1067; the reference has two copies in a row; one copy, 6 bases duplicated.
Protein change: p.Gln359_Arg360insLysGln.
Molecular consequence: intron variant (on NM_001406836.1).
Genome position (GRCh38, 1-based): chr11:2,585,252-2,585,257, AGCAGA duplicated; duplicating any 6 consecutive bases within chr11:2,585,246-2,585,257 gives the same sequence; the position shown is the placement nearest the transcript's 3' end. VCF-style (leftmost placement, unchanged base first): chr11-2585245-C-CAGCAGA. GRCh37 (hg19) VCF-style: chr11-2606475-C-CAGCAGA.
Other names: c.797AGCAGA[3], p.Gln269_Arg270insLysGln (NM_001406837.1); c.686AGCAGA[3], p.Gln232_Arg233insLysGln (NM_181798.2); c.1032+1701AGCAGA[3] (NM_001406836.1); c.588+1701AGCAGA[3] (NM_001406838.1).
Identifiers: ClinVar variation 3720988 (VCV003720988.2).